The following is an entry in ClinVar:

NM_006059.4(LAMC3):c.2577C>T (p.Pro859=)

Gene: LAMC3 (laminin subunit gamma 3; plus strand). Cytogenetic location: 9q34.12.
Variant type: single nucleotide variant.
Coding change: c.2577C>T on transcript NM_006059.4 (MANE Select); coding-DNA position 2577, C replaced by T.
Protein change: p.Pro859=; no amino-acid change (proline 859 retained).
Molecular consequence: synonymous variant.
Genome position (GRCh38, 1-based): chr9:131,067,189, C>T. VCF-style: chr9-131067189-C-T. GRCh37 (hg19) VCF-style: chr9-133942576-C-T.
Identifiers: ClinVar variation 2659626 (VCV002659626.25), dbSNP rs374658017, ClinGen allele CA5287477.

ClinVar aggregate classification (germline): Likely benign. Review status: criteria provided, multiple submitters, no conflicts (2 of 4 stars). 2 submissions from 2 submitters: Likely benign (2). Last evaluated 2025-09-17.

Allele frequency attached by ClinVar (database versions not stated): gnomAD 0.00002; ESP Exome Variant Server 0.00008.

Submissions (2):

Labcorp Genetics (formerly Invitae), Labcorp
Classification: Likely benign. Last evaluated: 2025-09-17. Review status: criteria provided, single submitter. Criteria: Invitae Variant Classification Sherloc (09022015). Collection method: clinical testing. Allele origin: germline.

CeGaT Center for Human Genetics Tuebingen
Classification: Likely benign. Last evaluated: 2023-02-01. Review status: criteria provided, single submitter. Criteria: CeGaT Center For Human Genetics Tuebingen Variant Classification Criteria Version 2. Collection method: clinical testing. Allele origin: germline. Affected: yes. Observed: 1 variant allele.
Comment: LAMC3: BP4, BP7